The following is an entry in ClinVar:

ClinVar aggregate classification (germline): Uncertain significance. Review status: criteria provided, multiple submitters, no conflicts (2 of 4 stars). 2 submissions from 2 submitters: Uncertain significance (2). Last evaluated 2025-08-28.

Allele frequency attached by ClinVar (database versions not stated): gnomAD 0.00001; TOPMed 0.00005.
gnomAD v4.1: 6 of 1,609,426 alleles (0.00037%); highest among the groups gnomAD compares: Admixed American, 0.0033%; no homozygotes.

Submissions (2):

Ambry Genetics
Classification: Uncertain significance. Last evaluated: 2025-08-28. Review status: criteria provided, single submitter. Criteria: Ambry Variant Classification Scheme 2023. Collection method: clinical testing. Allele origin: germline.

Labcorp Genetics (formerly Invitae), Labcorp
Classification: Uncertain significance. Last evaluated: 2024-10-21. Review status: criteria provided, single submitter. Criteria: Invitae Variant Classification Sherloc (09022015). Collection method: clinical testing. Allele origin: germline.
Comment: This sequence change replaces glycine, which is neutral and non-polar, with alanine, which is neutral and non-polar, at codon 1134 of the RIMS1 protein (p.Gly1134Ala). This variant is present in population databases (rs766454945, gnomAD 0.006%). This missense change has been observed in individual(s) with inherited retinal dystrophy (internal data). ClinVar contains an entry for this variant (Variation ID: 1025868). An algorithm developed to predict the effect of missense changes on protein structure and function (PolyPhen-2) suggests that this variant is likely to be disruptive. In summary, the available evidence is currently insufficient to determine the role of this variant in disease. Therefore, it has been classified as a Variant of Uncertain Significance.

NM_014989.7(RIMS1):c.3401G>C (p.Gly1134Ala)

Gene: RIMS1 (regulating synaptic membrane exocytosis 1; plus strand). Cytogenetic location: 6q13.
Variant type: single nucleotide variant.
Coding change: c.3401G>C on transcript NM_014989.7 (MANE Select); coding-DNA position 3401, G replaced by C.
Protein change: p.Gly1134Ala; replaces glycine 1134 with alanine.
Molecular consequence: missense variant. On other transcripts: intron variant (58).
Genome position (GRCh38, 1-based): chr6:72,274,351, G>C. VCF-style: chr6-72274351-G-C. GRCh37 (hg19) VCF-style: chr6-72984054-G-C.
Other names: c.3401G>C (NM_014989.4); c.1628G>C, p.Gly543Ala (NM_001350415.2, NM_001350445.2); c.1631G>C, p.Gly544Ala (NM_001350433.2); c.1565G>C, p.Gly522Ala (NM_001350435.2); c.1559G>C, p.Gly520Ala (NM_001350437.2); c.1559+8302G>C (NM_001350428.2, NM_001350459.2, NM_001350424.2 and 1 more transcripts); c.1556+8302G>C (NM_001350430.2, NM_001350421.2, NM_001350450.2); c.1706+8302G>C (NM_001350458.2); and 21 more; short protein forms G1134A, G520A, G522A, G543A, G544A.
Identifiers: ClinVar variation 1025868 (VCV001025868.9), dbSNP rs766454945, ClinGen allele CA3886238.